The following is an entry in ClinVar:

ClinVar aggregate classification (germline): Benign. Review status: criteria provided, multiple submitters, no conflicts (2 of 4 stars). 3 submissions from 3 submitters: Benign (3). Last evaluated 2025-01-30.

Allele frequency attached by ClinVar (database versions not stated): 1000 Genomes Project 30x 0.04700; 1000 Genomes Project 0.04493; ESP Exome Variant Server 0.04541; TOPMed 0.04568.

Submissions (3):

ARUP Laboratories, Molecular Genetics and Genomics, ARUP Laboratories
Classification: Benign. Last evaluated: 2025-01-30. Review status: criteria provided, single submitter. Criteria: ARUP Molecular Germline Variant Investigation Process 2024. Collection method: clinical testing. Allele origin: germline.

GeneDx
Classification: Benign. Last evaluated: 2018-12-31. Review status: criteria provided, single submitter. Criteria: GeneDx Variant Classification Process June 2021. Collection method: clinical testing. Allele origin: germline. Affected: yes.
Comment: This variant is associated with the following publications: (PMID: 31213628)

Breakthrough Genomics
Classification: Benign. Review status: criteria provided, single submitter. Criteria: ACMG Guidelines, 2015. Collection method: not provided. Allele origin: germline. Inheritance: Autosomal recessive inheritance. Affected: yes.

NM_130810.4(DNAAF4):c.-13C>T

Genes: DNAAF4 (dynein axonemal assembly factor 4; minus strand), DNAAF4-CCPG1 (DNAAF4-CCPG1 readthrough (NMD candidate); minus strand). Cytogenetic location: 15q21.3.
Variant type: single nucleotide variant.
Coding change: c.-13C>T on transcript NM_130810.4 (MANE Select); 13 bases upstream of the start codon, C replaced by T.
Molecular consequence: 5 prime UTR variant. On other transcripts: non-coding transcript variant (1).
Genome position (GRCh38, 1-based): chr15:55,498,342, G>A on the plus strand (C>T on the coding strand, the complement: DNAAF4 is on the minus strand). VCF-style: chr15-55498342-G-A. GRCh37 (hg19) VCF-style: chr15-55790540-G-A.
Other names: c.-13C>T (NM_001033559.3, NM_001033560.2).
Identifiers: ClinVar variation 1289976 (VCV001289976.5), dbSNP rs61753409, ClinGen allele CA7575192.